The following is an entry in ClinVar:

ClinVar aggregate classification (germline): Pathogenic (1 of 4 stars; one submission).

Submission:

Labcorp Genetics (formerly Invitae), Labcorp
Classification: Pathogenic. Last evaluated: 2023-05-08. Review status: criteria provided, single submitter. Criteria: Invitae Variant Classification Sherloc (09022015). Collection method: clinical testing. Allele origin: germline.
Comment: This sequence change results in a frameshift in the CCDC88C gene (p.Lys1866Argfs*199). While this is not anticipated to result in nonsense mediated decay, it is expected to disrupt the last 163 amino acid(s) of the CCDC88C protein and extend the protein by 35 additional amino acid residues. This variant is not present in population databases (gnomAD no frequency). This variant has not been reported in the literature in individuals affected with CCDC88C-related conditions. This variant disrupts a region of the CCDC88C protein in which other variant(s) (p.Glu1949Glyfs*26) have been determined to be pathogenic (PMID: 23042809). This suggests that this is a clinically significant region of the protein, and that variants that disrupt it are likely to be disease-causing. For these reasons, this variant has been classified as Pathogenic.

Literature cited by the submitters: PubMed 23042809.

NM_001080414.4(CCDC88C):c.5597del (p.Lys1866fs)

Gene: CCDC88C (coiled-coil and HOOK domain protein 88C; minus strand). Cytogenetic location: 14q32.11.
Variant type: Deletion.
Coding change: c.5597del on transcript NM_001080414.4 (MANE Select); coding-DNA position 5597, one base deleted (A; older notation c.5597delA).
Protein change: p.Lys1866fs; shifts the reading frame from lysine 1866.
Molecular consequence: frameshift variant.
Genome position (GRCh38, 1-based): chr14:91,273,115, T deleted on the plus strand (A on the coding strand, the reverse complement: CCDC88C is on the minus strand); the first of 3 consecutive T bases (chr14:91,273,115-91,273,117); deleting any one gives the same sequence. VCF-style (leftmost placement, unchanged base first): chr14-91273114-CT-C. GRCh37 (hg19) VCF-style: chr14-91739458-CT-C.
Other names: short protein forms K1866fs.
Identifiers: ClinVar variation 2861590 (VCV002861590.3), dbSNP rs2544239040, ClinGen allele CA2626127899.
Genomic context (GRCh38, chr14:91,273,114, plus strand): 5'-GAAGCGCCTCGTGTCCAGCGGCCGGCTGCGGGGACCTGGGCCCTGACAGGAGCTGCCAGC[CT>C]TTCCCACAAGTGGGGTCCGCTCCCGGGCCAGGCTATGGGAGCTGGGGGGTGCGGGGCTTT-3'